The following is an entry in ClinVar:

NM_018006.5(TRMU):c.648_649AG[1] (p.Ser218fs)

Gene: TRMU (tRNA mitochondrial 2-thiouridylase; plus strand). Cytogenetic location: 22q13.31.
Variant type: Microsatellite.
Coding change: c.648_649AG[1] on transcript NM_018006.5 (MANE Select).
Protein change: p.Ser218fs; shifts the reading frame from serine 218.
Molecular consequence: frameshift variant. On other transcripts: non-coding transcript variant (2).
Genome position: GRCh38 VCF-style: chr22-46350459-AAG-A. GRCh37 (hg19) VCF-style: chr22-46746356-AAG-A.
Other names: c.*92_*93AG[1] (NM_001008568.2); c.*186_*187AG[1] (NM_001008570.2); c.306_307AG[1], p.Ser104fs (NM_001282782.2); c.228_229AG[1], p.Ser78fs (NM_001282783.2, NM_001282784.2); c.648_649AG[1], p.Ser218fs (NM_001282785.2); short protein forms S78fs, S104fs, S218fs.
Identifiers: ClinVar variation 2840455 (VCV002840455.3), dbSNP rs2518179937, ClinGen allele CA2739265692.

ClinVar aggregate classification (germline): Pathogenic (1 of 4 stars; one submission).

Submission:

Labcorp Genetics (formerly Invitae), Labcorp
Classification: Pathogenic. Last evaluated: 2023-02-24. Review status: criteria provided, single submitter. Criteria: Invitae Variant Classification Sherloc (09022015). Collection method: clinical testing. Allele origin: germline.
Comment: This sequence change creates a premature translational stop signal (p.Ser218Hisfs*12) in the TRMU gene. It is expected to result in an absent or disrupted protein product. Loss-of-function variants in TRMU are known to be pathogenic (PMID: 19732863, 23625533). This variant is not present in population databases (gnomAD no frequency). This variant has not been reported in the literature in individuals affected with TRMU-related conditions. For these reasons, this variant has been classified as Pathogenic.

Literature cited by the submitters: PubMed 19732863; PubMed 23625533.